The following is an entry in ClinVar:

ClinVar aggregate classification (germline): Uncertain significance (1 of 4 stars; one submission).

gnomAD v4.1: 1 of 1,614,002 alleles (0.000062%); highest among the groups gnomAD compares: Non-Finnish European, 0.000085%; no homozygotes.

Submission:

Women's Health and Genetics/Laboratory Corporation of America, LabCorp
Classification: Uncertain significance. Last evaluated: 2024-11-18. Review status: criteria provided, single submitter. Criteria: LabCorp Variant Classification Summary - May 2015. Collection method: clinical testing. Allele origin: germline.
Comment: Variant summary: KARS1 c.239C>G (p.Thr80Ser) results in a conservative amino acid change in the encoded protein sequence. Five of five in-silico tools predict a benign effect of the variant on protein function. The variant allele was found at a frequency of 4e-06 in 251346 control chromosomes. The available data on variant occurrences in the general population are insufficient to allow any conclusion about variant significance. To our knowledge, no occurrence of c.239C>G in individuals affected with Leukoencephalopathy, progressive, infantile-onset, with or without deafness and no experimental evidence demonstrating its impact on protein function have been reported. No submitters have cited clinical-significance assessments for this variant to ClinVar. Based on the evidence outlined above, the variant was classified as uncertain significance.

NM_005548.3(KARS1):c.155C>G (p.Thr52Ser)

Gene: KARS1 (lysyl-tRNA synthetase 1; minus strand). Cytogenetic location: 16q23.1.
Variant type: single nucleotide variant.
Coding change: c.155C>G on transcript NM_005548.3 (MANE Select); coding-DNA position 155, C replaced by G.
Protein change: p.Thr52Ser; replaces threonine 52 with serine.
Molecular consequence: missense variant. On other transcripts: 5 prime UTR variant (1).
Genome position (GRCh38, 1-based): chr16:75,641,631, G>C on the plus strand (C>G on the coding strand, the complement: KARS1 is on the minus strand). VCF-style: chr16-75641631-G-C. GRCh37 (hg19) VCF-style: chr16-75675529-G-C.
Other names: c.239C>G, p.Thr80Ser (NM_001130089.2); c.-314C>G (NM_001378148.1); short protein forms T52S, T80S.
Identifiers: ClinVar variation 3630029 (VCV003630029.1).